The following is an entry in ClinVar:

NC_000001.10:g.(?_17371236)_(17380514_?)dup

Gene: SDHB (succinate dehydrogenase complex iron sulfur subunit B; minus strand). Cytogenetic location: 1p36.13.
Variant type: Duplication.
Identifiers: ClinVar variation 3247658 (VCV003247658.1).

ClinVar aggregate classification (germline): Uncertain significance (1 of 4 stars; one submission).

Conditions:
Pheochromocytoma. Also called: MAX-Related Hereditary Paraganglioma-Pheochromocytoma Syndrome. Identifiers: Orphanet 29072, MedGen C0031511, MONDO:0008233, OMIM 171300, HP:0002666.
Gastrointestinal stromal tumor. Also called: Gastrointestinal stromal tumor, somatic; Gastrointestinal stroma tumor. Identifiers: Orphanet 44890, MedGen C0238198, MeSH D046152, MONDO:0011719, OMIM 606764, HP:0100723.
Pheochromocytoma/paraganglioma syndrome 4. Also called: CAROTID BODY TUMORS AND MULTIPLE EXTRAADRENAL PHEOCHROMOCYTOMAS; PARAGANGLIOMA, FAMILIAL MALIGNANT; PARAGANGLIOMAS, HEREDITARY EXTRAADRENAL; PHEOCHROMOCYTOMA, FAMILIAL EXTRAADRENAL; Paragangliomas 4; SDHB-Related Hereditary Paraganglioma-Pheochromocytoma Syndrome (Paragangliomas 4). Identifiers: Orphanet 29072, MedGen C1861848, MONDO:0007273, OMIM 115310.

Submission:

Labcorp Genetics (formerly Invitae), Labcorp
Classification: Uncertain significance for Gastrointestinal stromal tumor; Pheochromocytoma/paraganglioma syndrome 4; Pheochromocytoma. Last evaluated: 2023-12-21. Review status: criteria provided, single submitter. Criteria: Invitae Variant Classification Sherloc (09022015). Collection method: clinical testing. Allele origin: unknown.
Comment: This variant results in a copy number gain of the genomic region encompassing exon(s) 1-2 of the SDHB gene. This region includes the initiator codon of the gene. This copy number gain extends beyond the assayed region for this gene and therefore may encompass additional genes. As the precise location of this event is unknown, it may be in tandem or it may be located elsewhere in the genome. This variant has not been reported in the literature in individuals affected with SDHB-related conditions. Experimental studies and prediction algorithms are not available or were not evaluated, and the functional significance of this variant is currently unknown. In summary, the available evidence is currently insufficient to determine the role of this variant in disease. Therefore, it has been classified as a Variant of Uncertain Significance.